The following is an entry in ClinVar:

NM_000256.3(MYBPC3):c.906-37C>T

Gene: MYBPC3 (myosin binding protein C3; minus strand). Cytogenetic location: 11p11.2.
Variant type: single nucleotide variant.
Coding change: c.906-37C>T on transcript NM_000256.3 (MANE Select); 37 bases into the intron before coding-DNA position 906, C replaced by T.
Molecular consequence: intron variant.
Genome position (GRCh38, 1-based): chr11:47,347,066, G>A on the plus strand (C>T on the coding strand, the complement: MYBPC3 is on the minus strand). VCF-style: chr11-47347066-G-A. GRCh37 (hg19) VCF-style: chr11-47368617-G-A.
Identifiers: ClinVar variation 3058358 (VCV003058358.3), dbSNP rs774943299, ClinGen allele CA057245.
Genomic context (GRCh38, chr11:47,347,066, plus strand): 5'-CACCCAGACCCCGATTCTTACTCTCTGGGCCACAGCAGCAGCAGCCATAATGGAGGGGCC[G>A]GGGGAGAGGGAGAGAGAGGGCAGAGAGAACATAAGTCAGTTGGGCCGACCTGGTAGACCC-3'

ClinVar aggregate classification (germline): Likely benign. Review status: criteria provided, single submitter (1 of 4 stars). 2 submissions from 2 submitters: Likely benign (1). 1 of the submissions does not count toward it. Last evaluated 2024-11-18.

Conditions:
MYBPC3-related disorder. Also called: MYBPC3-related disorders; MYBPC3-related condition; MYBPC3-related disease.

Allele frequency attached by ClinVar (database versions not stated): ExAC 0.00001; TOPMed 0.00001.
gnomAD v4.1: 24 of 863,346 alleles (0.0028%); highest among the groups gnomAD compares: Non-Finnish European, 0.0041%; no homozygotes.

Submissions (2):

Blueprint Genetics
Classification: Likely benign. Last evaluated: 2024-11-18. Review status: criteria provided, single submitter. Criteria: ACMG Guidelines, 2015. Collection method: clinical testing. Allele origin: germline.

PreventionGenetics, part of Exact Sciences
Classification: Likely benign for MYBPC3-related condition. Last evaluated: 2020-08-12. Review status: no assertion criteria provided. Collection method: clinical testing. Allele origin: germline. Not counted in ClinVar's aggregate classification.
Comment: This variant is classified as likely benign based on ACMG/AMP sequence variant interpretation guidelines (Richards et al. 2015 PMID: 25741868, with internal and published modifications).